The following is an entry in ClinVar:

ClinVar aggregate classification (germline): Pathogenic (1 of 4 stars; one submission).

Conditions:
Alstrom syndrome (ALMS). Identifiers: Orphanet 64, MedGen C0268425, MONDO:0008763, OMIM 203800.

Submission:

Labcorp Genetics (formerly Invitae), Labcorp
Classification: Pathogenic for Alstrom syndrome. Last evaluated: 2023-01-14. Review status: criteria provided, single submitter. Criteria: Invitae Variant Classification Sherloc (09022015). Collection method: clinical testing. Allele origin: germline.
Comment: For these reasons, this variant has been classified as Pathogenic. This variant has not been reported in the literature in individuals affected with ALMS1-related conditions. This variant is not present in population databases (gnomAD no frequency). This sequence change creates a premature translational stop signal (p.Arg815Thrfs*23) in the ALMS1 gene. It is expected to result in an absent or disrupted protein product. Loss-of-function variants in ALMS1 are known to be pathogenic (PMID: 17594715).

Literature cited by the submitters: PubMed 17594715.

NM_001378454.1(ALMS1):c.2434_2435dup (p.Arg814fs)

Gene: ALMS1 (ALMS1 centrosome and basal body associated protein; plus strand). Cytogenetic location: 2p13.1.
Variant type: Duplication.
Coding change: c.2434_2435dup on transcript NM_001378454.1 (MANE Select); coding-DNA positions 2434 to 2435, 2 bases duplicated (TC; older notation c.2434_2435dupTC).
Protein change: p.Arg814fs; shifts the reading frame from arginine 814.
Molecular consequence: frameshift variant.
Genome position (GRCh38, 1-based): chr2:73,448,961-73,448,962, TC duplicated; duplicating any 2 consecutive bases within chr2:73,448,960-73,448,962 gives the same sequence; the c. name uses the placement nearest the transcript's 3' end. VCF-style (leftmost placement, unchanged base first): chr2-73448959-A-ACT. GRCh37 (hg19) VCF-style: chr2-73676086-A-ACT.
Other names: c.2437_2438dup, p.Arg815fs (NM_015120.4); short protein forms R815fs, R814fs.
Identifiers: ClinVar variation 2828387 (VCV002828387.3), dbSNP rs2466094592, ClinGen allele CA2739271079.